The following is an entry in ClinVar:

NM_001377.3(DYNC2H1):c.6220C>T (p.Arg2074Ter)

Gene: DYNC2H1 (dynein cytoplasmic 2 heavy chain 1; plus strand). Cytogenetic location: 11q22.3.
Variant type: single nucleotide variant.
Coding change: c.6220C>T on transcript NM_001377.3 (MANE Select); coding-DNA position 6220, C replaced by T.
Protein change: p.Arg2074Ter; replaces arginine 2074 with a stop codon.
Molecular consequence: nonsense.
Genome position (GRCh38, 1-based): chr11:103,179,106, C>T. VCF-style: chr11-103179106-C-T. GRCh37 (hg19) VCF-style: chr11-103049835-C-T.
Other names: c.6220C>T, p.Arg2074Ter (NM_001080463.2); short protein forms R2074*.
Identifiers: ClinVar variation 2820203 (VCV002820203.5), dbSNP rs2496243325, ClinGen allele CA382247175.

ClinVar aggregate classification (germline): Pathogenic/Likely pathogenic. Review status: criteria provided, multiple submitters, no conflicts (2 of 4 stars). 2 submissions from 2 submitters: Pathogenic (1); Likely pathogenic (1). Last evaluated 2024-01-15.

Conditions:
Asphyxiating thoracic dystrophy 3. Also called: SHORT-RIB THORACIC DYSPLASIA 3 WITH OR WITHOUT POLYDACTYLY; POLYDACTYLY WITH NEONATAL CHONDRODYSTROPHY, TYPE I; SHORT-RIB THORACIC DYSPLASIA 3/6 WITH POLYDACTYLY, DIGENIC; Short rib polydactyly syndrome 2B; Saldino-Noonan Syndrome. Identifiers: Orphanet 474, Orphanet 93269, Orphanet 93270, Orphanet 93271, MedGen C0036069, MONDO:0013127, OMIM 613091.
Jeune thoracic dystrophy. Also called: Short-rib thoracic dysplasia; Jeune syndrome; Infantile thoracic dystrophy; Thoracic pelvic phalangeal dystrophy; Jeune's syndrome; Chondroectodermal dysplasia-like syndrome. Identifiers: Orphanet 474, MedGen C0265275, MONDO:0018770.

Submissions (2):

Fulgent Genetics
Classification: Likely pathogenic for Asphyxiating thoracic dystrophy 3. Last evaluated: 2024-01-15. Review status: criteria provided, single submitter. Criteria: ACMG Guidelines, 2015. Collection method: clinical testing. Allele origin: germline.

Labcorp Genetics (formerly Invitae), Labcorp
Classification: Pathogenic for Jeune thoracic dystrophy. Last evaluated: 2023-05-31. Review status: criteria provided, single submitter. Criteria: Invitae Variant Classification Sherloc (09022015). Collection method: clinical testing. Allele origin: germline.
Comment: For these reasons, this variant has been classified as Pathogenic. This variant has not been reported in the literature in individuals affected with DYNC2H1-related conditions. This variant is not present in population databases (gnomAD no frequency). This sequence change creates a premature translational stop signal (p.Arg2074*) in the DYNC2H1 gene. It is expected to result in an absent or disrupted protein product. Loss-of-function variants in DYNC2H1 are known to be pathogenic (PMID: 23339108, 32753734).

Literature cited by the submitters: PubMed 23339108 (cited by Labcorp Genetics (formerly Invitae), Labcorp); PubMed 32753734 (cited by Labcorp Genetics (formerly Invitae), Labcorp).